The following is an entry in ClinVar:

NM_003748.4(ALDH4A1):c.416G>T (p.Arg139Leu)

Gene: ALDH4A1 (aldehyde dehydrogenase 4 family member A1; minus strand). Cytogenetic location: 1p36.13.
Variant type: single nucleotide variant.
Coding change: c.416G>T on transcript NM_003748.4 (MANE Select); coding-DNA position 416, G replaced by T.
Protein change: p.Arg139Leu; replaces arginine 139 with leucine.
Molecular consequence: missense variant.
Genome position (GRCh38, 1-based): chr1:18,885,510, C>A on the plus strand (G>T on the coding strand, the complement: ALDH4A1 is on the minus strand). VCF-style: chr1-18885510-C-A. GRCh37 (hg19) VCF-style: chr1-19212004-C-A.
Other names: c.236G>T, p.Arg79Leu (NM_001161504.2); c.416G>T, p.Arg139Leu (NM_001319218.2, NM_170726.3); short protein forms R139L, R79L.
Identifiers: ClinVar variation 1033614 (VCV001033614.1), dbSNP rs368241243, ClinGen allele CA338760202.
Genomic context (GRCh38, chr1:18,885,510, plus strand): 5'-ACCCGGGCCCACCAGCACCTCACCTGTCCCACCATGGTCTTGGCGAGGATCTCAGCCCTG[C>A]GCGGCCCACTCAGCATGTCTGCCGCCTTCAGGAAGATCTGGGCCCGGTCTGCAATAGGCT-3'
Protein context (NP_003739.2, residues 129-149): LKAADMLSGP[Arg139Leu]RAEILAKTMV

ClinVar aggregate classification (germline): Uncertain significance (1 of 4 stars; one submission).

Conditions:
Hyperprolinemia type 2 (HYRPRO2). Also called: Delta-1-pyrroline-5-carboxylate dehydrogenase deficiency; 1-PYRROLINE-5-CARBOXYLATE DEHYDROGENASE DEFICIENCY; Deficiency of pyrroline-5-carboxylate reductase. Identifiers: Orphanet 79101, MedGen C2931835, MONDO:0009401, OMIM 239510.

Submission:

Baylor Genetics
Classification: Uncertain significance for Hyperprolinemia type 2. Last evaluated: 2018-01-13. Review status: criteria provided, single submitter. Criteria: ACMG Guidelines, 2015. Collection method: clinical testing. Allele origin: paternal. Affected: yes.
Comment: This variant was determined to be of uncertain significance according to ACMG Guidelines, 2015 [PMID:25741868].